The following is an entry in ClinVar:

NM_019098.5(CNGB3):c.1366del (p.Arg456fs)

Gene: CNGB3 (cyclic nucleotide gated channel subunit beta 3; minus strand). Cytogenetic location: 8q21.3.
Variant type: Deletion.
Coding change: c.1366del on transcript NM_019098.5 (MANE Select); coding-DNA position 1366, one base deleted (C; older notation c.1366delC).
Protein change: p.Arg456fs; shifts the reading frame from arginine 456.
Molecular consequence: frameshift variant.
Genome position (GRCh38, 1-based): chr8:86,629,033, G deleted on the plus strand (C on the coding strand, the reverse complement: CNGB3 is on the minus strand); the first of 2 consecutive G bases (chr8:86,629,033-86,629,034); deleting either gives the same sequence. VCF-style (leftmost placement, unchanged base first): chr8-86629032-CG-C. GRCh37 (hg19) VCF-style: chr8-87641260-CG-C.
Other names: c.1366del (NM_019098.4); c.1366delC (NM_019098.4); short protein forms R456fs.
Identifiers: ClinVar variation 370933 (VCV000370933.11), dbSNP rs1057516878, ClinGen allele CA16041192.

ClinVar aggregate classification (germline): Pathogenic/Likely pathogenic. Review status: criteria provided, multiple submitters, no conflicts (2 of 4 stars). 6 submissions from 6 submitters: Pathogenic (3); Likely pathogenic (1). 2 of the submissions do not count toward it. Last evaluated 2024-08-26.

Conditions:
Achromatopsia 3 (ACHM3). Also called: ACHROMATOPSIA WITH MYOPIA; PINGELAPESE BLINDNESS; TOTAL COLORBLINDNESS WITH MYOPIA; ROD MONOCHROMACY 1; ROD MONOCHROMATISM 1. Identifiers: Orphanet 49382, MedGen C1849792, MONDO:0009875, OMIM 262300.
CNGB3-related disorder. Also called: CNGB3-related disorders; CNGB3-related condition. Identifiers: MedGen CN239340.
Achromatopsia. Also called: Rod monochromatism. Identifiers: Orphanet 49382, MedGen C0152200, MONDO:0018852, HP:0011516.

Submissions (6):

Natera, Inc.
Classification: Pathogenic for Achromatopsia. Last evaluated: 2024-08-26. Review status: criteria provided, single submitter. Criteria: Natera Variant Classification Schema (03/2026). Collection method: clinical testing. Allele origin: germline.
Comment: The c.1366del variant in CNGB3 is a frameshift variant predicted to shift the reading frame beginning at codon 456 and leads to a stop codon 11 codons downstream. This variant is expected to result in nonsense mediated decay, truncation, or a dysfunctional protein product. This variant is rare in the general population with a frequency below the threshold expected for the associated phenotype(s). This variant has been observed in one or more individuals affected with the associated recessive disease, as either homozygous or compound heterozygous with a second variant (PMID: 25558176). Given the available evidence, this variant is classified as Pathogenic.

Fulgent Genetics
Classification: Pathogenic for Achromatopsia 3. Last evaluated: 2024-04-03. Review status: criteria provided, single submitter. Criteria: ACMG Guidelines, 2015. Collection method: clinical testing. Allele origin: germline.

Labcorp Genetics (formerly Invitae), Labcorp
Classification: Pathogenic. Last evaluated: 2023-08-28. Review status: criteria provided, single submitter. Criteria: Invitae Variant Classification Sherloc (09022015). Collection method: clinical testing. Allele origin: germline.
Comment: For these reasons, this variant has been classified as Pathogenic. ClinVar contains an entry for this variant (Variation ID: 370933). This premature translational stop signal has been observed in individual(s) with clinical features of achromatopsia (PMID: 25558176). This variant is not present in population databases (gnomAD no frequency). This sequence change creates a premature translational stop signal (p.Arg456Alafs*11) in the CNGB3 gene. It is expected to result in an absent or disrupted protein product. Loss-of-function variants in CNGB3 are known to be pathogenic (PMID: 28795510).

Blueprint Genetics
Classification: Likely pathogenic for CNGB3-related disorders. Last evaluated: 2022-10-05. Review status: criteria provided, single submitter. Criteria: ACMG Guidelines, 2015. Collection method: clinical testing. Allele origin: germline. Affected: yes. Observed: 2 variant alleles.

Molecular Genetics Laboratory, Institute for Ophthalmic Research
Classification: Pathogenic for ACHM3. Last evaluated: 2017-03-27. Review status: no assertion criteria provided. Collection method: research. Allele origin: unknown. Affected: yes. Not counted in ClinVar's aggregate classification.

Counsyl
Classification: Likely pathogenic for Achromatopsia 3. Last evaluated: 2016-05-18. Review status: no assertion criteria provided. Collection method: clinical testing. Allele origin: unknown. Not counted in ClinVar's aggregate classification.

Literature cited by the submitters: PubMed 25558176 (cited by Natera, Inc. and Labcorp Genetics (formerly Invitae), Labcorp); PubMed 28795510 (cited by Labcorp Genetics (formerly Invitae), Labcorp and Molecular Genetics Laboratory, Institute for Ophthalmic Research); PubMed 25558076 (cited by Counsyl).